The following is an entry in ClinVar:

ClinVar aggregate classification (germline): Pathogenic (1 of 4 stars; one submission).

Conditions:
Hereditary nonpolyposis colorectal neoplasms. Identifiers: MedGen C0009405, MeSH D003123.

Submission:

Labcorp Genetics (formerly Invitae), Labcorp
Classification: Pathogenic for Hereditary nonpolyposis colorectal neoplasms. Last evaluated: 2025-08-05. Review status: criteria provided, single submitter. Criteria: Invitae Variant Classification Sherloc (09022015). Collection method: clinical testing. Allele origin: germline.
Comment: This sequence change creates a premature translational stop signal (p.Leu1308Profs*19) in the MSH6 gene. While this is not anticipated to result in nonsense mediated decay, it is expected to disrupt the last 53 amino acid(s) of the MSH6 protein. This variant is not present in population databases (gnomAD no frequency). This variant has not been reported in the literature in individuals affected with MSH6-related conditions. This variant disrupts a region of the MSH6 protein in which other variant(s) (p.Leu1330Valfs*12) have been determined to be pathogenic (PMID: 19851887, 24440087; internal data). This suggests that this is a clinically significant region of the protein, and that variants that disrupt it are likely to be disease-causing. For these reasons, this variant has been classified as Pathogenic.

Literature cited by the submitters: PubMed 19851887; PubMed 24440087.

NM_000179.3(MSH6):c.3923del (p.Leu1308fs)

Gene: MSH6 (mutS homolog 6; plus strand). Cytogenetic location: 2p16.3.
Variant type: Deletion.
Coding change: c.3923del on transcript NM_000179.3 (MANE Select); coding-DNA position 3923, one base deleted (T; older notation c.3923delT).
Protein change: p.Leu1308fs; shifts the reading frame from leucine 1308.
Molecular consequence: frameshift variant. On other transcripts: non-coding transcript variant (5), intron variant (1).
Genome position (GRCh38, 1-based): chr2:47,806,573, T deleted. VCF-style (leftmost placement, unchanged base first): chr2-47806572-CT-C. GRCh37 (hg19) VCF-style: chr2-48033711-CT-C.
Other names: c.3533del, p.Leu1178fs (NM_001281492.2); c.3017del, p.Leu1006fs (NM_001281493.2, NM_001281494.2, NM_001406811.1 and 6 more transcripts); c.4019del, p.Leu1340fs (NM_001406795.1); c.3923del, p.Leu1308fs (NM_001406796.1, NM_001406808.1, NM_001406809.1); c.3626del, p.Leu1209fs (NM_001406797.1, NM_001406801.1, NM_001406805.1 and 10 more transcripts); c.3749del, p.Leu1250fs (NM_001406798.1); c.3398del, p.Leu1133fs (NM_001406799.1, NM_001406806.1, NM_001406807.1); c.3910del, p.Ser1304fs (NM_001406800.1); and 9 more; short protein forms L1209fs, L1250fs, L1308fs, L1340fs, L257fs, L1006fs, L1020fs, L1282fs.
Identifiers: ClinVar variation 4724565 (VCV004724565.1).